The following is an entry in ClinVar:

ClinVar aggregate classification (germline): Pathogenic. Review status: criteria provided, multiple submitters, no conflicts (2 of 4 stars). 2 submissions from 2 submitters: Pathogenic (2). Last evaluated 2022-04-10.

Conditions:
Neurofibromatosis, type 2 (SWNV). Also called: SCHWANNOMATOSIS, VESTIBULAR; NF2-Related Schwannomatosis; BILATERAL ACOUSTIC NEUROFIBROMATOSIS. Identifiers: Orphanet 637, MedGen C0027832, MONDO:0007039, OMIM 101000. Disease mechanism: loss of function.

Submissions (2):

Genetics and Molecular Pathology, SA Pathology
Classification: Pathogenic for Neurofibromatosis, type 2. Last evaluated: 2022-04-10. Review status: criteria provided, single submitter. Criteria: ACMG Guidelines, 2015. Collection method: clinical testing. Allele origin: germline. Affected: yes.

Labcorp Genetics (formerly Invitae), Labcorp
Classification: Pathogenic for Neurofibromatosis, type 2. Last evaluated: 2019-07-19. Review status: criteria provided, single submitter. Criteria: Invitae Variant Classification Sherloc (09022015). Collection method: clinical testing. Allele origin: germline.
Comment: For these reasons, this variant has been classified as Pathogenic. This sequence change creates a premature translational stop signal (p.Ala4Profs*6) in the NF2 gene. It is expected to result in an absent or disrupted protein product. This variant is not present in population databases (ExAC no frequency). This variant has not been reported in the literature in individuals with NF2-related conditions. Loss-of-function variants in NF2 are known to be pathogenic (PMID: 9643284, 16983642).

Literature cited by the submitters: PubMed 9643284 (cited by Labcorp Genetics (formerly Invitae), Labcorp); PubMed 16983642 (cited by Labcorp Genetics (formerly Invitae), Labcorp).

NM_000268.4(NF2):c.10del (p.Ala4fs)

Gene: NF2 (NF2, moesin-ezrin-radixin like (MERLIN) tumor suppressor; plus strand). Cytogenetic location: 22q12.2.
Variant type: Deletion.
Coding change: c.10del on transcript NM_000268.4 (MANE Select); coding-DNA position 10, one base deleted (G; older notation c.10delG).
Protein change: p.Ala4fs; shifts the reading frame from alanine 4.
Molecular consequence: frameshift variant. On other transcripts: non-coding transcript variant (1).
Genome position (GRCh38, 1-based): chr22:29,604,008, G deleted; the last of 4 consecutive G bases (chr22:29,604,005-29,604,008); deleting any one gives the same sequence. VCF-style (leftmost placement, unchanged base first): chr22-29604004-CG-C. GRCh37 (hg19) VCF-style: chr22-29999993-CG-C.
Other names: c.10del, p.Ala4fs (NM_016418.5, NM_181825.3, NM_181828.3 and 5 more transcripts); c.10delG (NM_000268.4); short protein forms A4fs.
Identifiers: ClinVar variation 962511 (VCV000962511.11), dbSNP rs2064712705, ClinGen allele CA1139667028.
Genomic context (GRCh38, chr22:29,604,004, plus strand): 5'-AGGGCTCAGAGTGCAGGCCGTGGGGCGCGAGGGTCCCGGGCCTGAGCCCCGCGCCATGGC[CG>C]GGGCCATCGCTTCCCGCATGAGCTTCAGCTCTCTCAAGAGGAAGCAACCCAAGACGTTCA-3'